The following is an entry in ClinVar:

NM_001958.5(EEF1A2):c.1218G>A (p.Pro406=)

Gene: EEF1A2 (eukaryotic translation elongation factor 1 alpha 2; minus strand). Cytogenetic location: 20q13.33.
Variant type: single nucleotide variant.
Coding change: c.1218G>A on transcript NM_001958.5 (MANE Select); coding-DNA position 1218, G replaced by A.
Protein change: p.Pro406=; no amino-acid change (proline 406 retained).
Molecular consequence: synonymous variant.
Genome position (GRCh38, 1-based): chr20:63,488,964, C>T on the plus strand (G>A on the coding strand, the complement: EEF1A2 is on the minus strand). VCF-style: chr20-63488964-C-T. GRCh37 (hg19) VCF-style: chr20-62120317-C-T.
Identifiers: ClinVar variation 1079701 (VCV001079701.10), dbSNP rs377632570, ClinGen allele CA9958954.
Genomic context (GRCh38, chr20:63,488,964, plus strand): 5'-CCACCCCGGCTCACCGAGAGGCGGGTACTGGGAGAAGCTCTCCACACACATGGGCTTTCC[C>T]GGCACCATCTCCACGATGGCCGCGTCTCCAGACTTCAGGGACTTGGGGTTGTCCTCCAGC-3'
Protein context (NP_001949.1, residues 396-416): SGDAAIVEMV[Pro406=]GKPMCVESFS

ClinVar aggregate classification (germline): Likely benign. Review status: criteria provided, multiple submitters, no conflicts (2 of 4 stars). 2 submissions from 2 submitters: Likely benign (2). Last evaluated 2026-10-01.

Conditions:
Developmental and epileptic encephalopathy, 33 (DEE33). Also called: Epileptic encephalopathy, early infantile, 33. Identifiers: Orphanet 442835, MedGen C4225337, MONDO:0014625, OMIM 616409.

Allele frequency attached by ClinVar (database versions not stated): gnomAD exomes 0.00002 and 0.00004; TOPMed 0.00002; ExAC 0.00005; ESP Exome Variant Server 0.00008; 1000 Genomes Project 30x 0.00016; 1000 Genomes Project 0.00020.
gnomAD v4.1: 27 of 1,612,584 alleles (0.0017%); highest among the groups gnomAD compares: South Asian, 0.02%; no homozygotes.

Submissions (2):

CeGaT Center for Human Genetics Tuebingen
Classification: Likely benign. Last evaluated: 2026-10-01. Review status: criteria provided, single submitter. Criteria: CeGaT Center For Human Genetics Tuebingen Variant Classification Criteria Version 2. Collection method: clinical testing. Allele origin: germline. Affected: yes. Observed: 1 variant allele.
Comment: EEF1A2: BP4, BP7

Labcorp Genetics (formerly Invitae), Labcorp
Classification: Likely benign for Developmental and epileptic encephalopathy, 33. Last evaluated: 2025-12-22. Review status: criteria provided, single submitter. Criteria: Invitae Variant Classification Sherloc (09022015). Collection method: clinical testing. Allele origin: germline.